The following is an entry in ClinVar:

ClinVar aggregate classification (germline): Likely pathogenic. Review status: criteria provided, multiple submitters, no conflicts (2 of 4 stars). 2 submissions from 2 submitters: Likely pathogenic (2). Last evaluated 2021-07-13.

Conditions:
Autoimmune enteropathy and endocrinopathy - susceptibility to chronic infections syndrome. Also called: Immunodeficiency 31C; Immunodeficiency 31C, autosomal dominant. Identifiers: Orphanet 391487, MedGen C3279990, MONDO:0013599, OMIM 614162.
Mendelian susceptibility to mycobacterial diseases due to partial STAT1 deficiency. Also called: IMMUNODEFICIENCY 31A, MYCOBACTERIOSIS, AUTOSOMAL DOMINANT; STAT1 DEFICIENCY, AUTOSOMAL DOMINANT; Immunodeficiency 31a. Identifiers: Orphanet 319595, MedGen C4013950, MONDO:0013956, OMIM 614892.
Immunodeficiency 31B. Also called: STAT1 DEFICIENCY, AUTOSOMAL RECESSIVE; IMMUNODEFICIENCY 31B, MYCOBACTERIAL AND VIRAL INFECTIONS, AUTOSOMAL RECESSIVE. Identifiers: Orphanet 391311, MedGen C3151088, MONDO:0013427, OMIM 613796.

Submissions (2):

Labcorp Genetics (formerly Invitae), Labcorp
Classification: Likely pathogenic for Mendelian susceptibility to mycobacterial diseases due to partial STAT1 deficiency; Immunodeficiency 31B; Autoimmune enteropathy and endocrinopathy - susceptibility to chronic infections syndrome. Last evaluated: 2021-07-13. Review status: criteria provided, single submitter. Criteria: Invitae Variant Classification Sherloc (09022015). Collection method: clinical testing. Allele origin: germline.

Illumina Laboratory Services, Illumina
Classification: Likely pathogenic for Autoimmune enteropathy and endocrinopathy - susceptibility to chronic infections syndrome. Last evaluated: 2019-03-12. Review status: criteria provided, single submitter. Criteria: ICSLVariantClassificationCriteria RUGD 01 April 2020. Collection method: clinical testing. Allele origin: unknown.
Comment: The STAT1 c.970T>C (p.Cys324Arg) variant has been reported in a heterozygous state in at least five individuals with chronic mucocutaneous candidiasis disease or multiple autoimmune diseases (Sharfe et al. 2014; Toubiana et al. 2016; Second et al. 2017; Maeshima et al. 2019). In one family, the variant was shown to be de novo in the proband and in at least two families, more than one affected individual carried the variant (Toubiana et al. 2016; Sharfe et al. 2017). Control data are unavailable for this variant which is absent from the Genome Aggregation Database. Using alanine scanning mutagenesis and GAS reporter assays, the p.Cys324Arg variant was associated with an increase in transcription in U3C cells compared to wildtype, suggesting this variant causes a gain-of-function (Kagawa et al. 2017). Based on the collective evidence, the p.Cys324Arg variant is likely pathogenic for chronic mucocutaneous candidiasis disease.

Literature cited by the submitters: PubMed 24239102 (cited by Illumina Laboratory Services, Illumina); PubMed 27114460 (cited by Illumina Laboratory Services, Illumina); PubMed 28011069 (cited by Illumina Laboratory Services, Illumina); PubMed 28622416 (cited by Illumina Laboratory Services, Illumina); PubMed 30442829 (cited by Illumina Laboratory Services, Illumina).

NM_007315.4(STAT1):c.970T>C (p.Cys324Arg)

Gene: STAT1 (signal transducer and activator of transcription 1; minus strand). Cytogenetic location: 2q32.2.
Variant type: single nucleotide variant.
Coding change: c.970T>C on transcript NM_007315.4 (MANE Select); coding-DNA position 970, T replaced by C.
Protein change: p.Cys324Arg; replaces cysteine 324 with arginine.
Molecular consequence: missense variant. On other transcripts: intron variant (1).
Genome position (GRCh38, 1-based): chr2:190,991,295, A>G on the plus strand (T>C on the coding strand, the complement: STAT1 is on the minus strand). VCF-style: chr2-190991295-A-G. GRCh37 (hg19) VCF-style: chr2-191856021-A-G.
Other names: c.970T>C, p.Cys324Arg (NM_001384880.1, NM_001384882.1, NM_001384886.1 and 3 more transcripts); c.976T>C, p.Cys326Arg (NM_001384881.1, NM_001384884.1); c.871T>C, p.Cys291Arg (NM_001384883.1); c.811T>C, p.Cys271Arg (NM_001384885.1); c.880T>C, p.Cys294Arg (NM_001384890.1); c.1006T>C, p.Cys336Arg (NM_001384891.1); c.945-1621T>C (NM_001384887.1); short protein forms C324R, C271R, C291R, C294R, C326R, C336R.
Identifiers: ClinVar variation 643417 (VCV000643417.8), dbSNP rs1574653439, ClinGen allele CA349920801.
Genomic context (GRCh38, chr2:190,991,295, plus strand): 5'-TCACAGTGAACTGGACCCCTGTCTTCAAGACCAGCGGCCTCTGAGGGTGCGTTGGCATGC[A>G]GGGCTGTCTTTCCACCACAAACGAGCTGCAAATACCCAGCAAAGGATAGATAAGTTAGCA-3'
Protein context (NP_009330.1, residues 314-334): QSSFVVERQP[Cys324Arg]MPTHPQRPLV